The following is an entry in ClinVar:

ClinVar aggregate classification (germline): Pathogenic/Likely pathogenic. Review status: criteria provided, multiple submitters, no conflicts (2 of 4 stars). 2 submissions from 2 submitters: Pathogenic (1); Likely pathogenic (1). Last evaluated 2024-09-11.

Conditions:
LARP7-related disorder. Also called: LARP7-related condition.

Allele frequency attached by ClinVar (database versions not stated): gnomAD exomes below 0.00001.
gnomAD v4.1: 4 of 1,613,622 alleles (0.00025%); highest among the groups gnomAD compares: South Asian, 0.0011%; no homozygotes.

Submissions (2):

Blueprint Genetics
Classification: Likely pathogenic for LARP7-related disorders. Last evaluated: 2024-09-11. Review status: criteria provided, single submitter. Criteria: ACMG Guidelines, 2015. Collection method: clinical testing. Allele origin: germline. Affected: yes. Observed: 1 variant allele.

Labcorp Genetics (formerly Invitae), Labcorp
Classification: Pathogenic. Last evaluated: 2024-02-02. Review status: criteria provided, single submitter. Criteria: Invitae Variant Classification Sherloc (09022015). Collection method: clinical testing. Allele origin: germline.
Comment: This sequence change creates a premature translational stop signal (p.Ser273*) in the LARP7 gene. It is expected to result in an absent or disrupted protein product. Loss-of-function variants in LARP7 are known to be pathogenic (PMID: 22865833, 26374271, 26607181). This variant is present in population databases (no rsID available, gnomAD 0.003%). This variant has not been reported in the literature in individuals affected with LARP7-related conditions. ClinVar contains an entry for this variant (Variation ID: 2168966). For these reasons, this variant has been classified as Pathogenic.

Literature cited by the submitters: PubMed 22865833 (cited by Labcorp Genetics (formerly Invitae), Labcorp); PubMed 26374271 (cited by Labcorp Genetics (formerly Invitae), Labcorp); PubMed 26607181 (cited by Labcorp Genetics (formerly Invitae), Labcorp).

NM_016648.4(LARP7):c.818C>G (p.Ser273Ter)

Genes: LARP7 (La ribonucleoprotein 7, transcriptional regulator; plus strand), MIR302CHG (miR-302/367 cluster host gene; minus strand). Cytogenetic location: 4q25.
Variant type: single nucleotide variant.
Coding change: c.818C>G on transcript NM_016648.4 (MANE Select); coding-DNA position 818, C replaced by G.
Protein change: p.Ser273Ter; replaces serine 273 with a stop codon.
Molecular consequence: nonsense.
Genome position (GRCh38, 1-based): chr4:112,647,370, C>G. VCF-style: chr4-112647370-C-G. GRCh37 (hg19) VCF-style: chr4-113568526-C-G.
Other names: c.818C>G, p.Ser273Ter (NM_001267039.4, NM_001370974.1, NM_001370975.1 and 2 more transcripts); c.815C>G, p.Ser272Ter (NM_001370976.1, NM_001370977.1, NM_001370979.1 and 1 more transcripts); c.581C>G, p.Ser194Ter (NM_001370981.1, NM_001370982.1); short protein forms S194*, S273*, S272*.
Identifiers: ClinVar variation 2168966 (VCV002168966.5), dbSNP rs1554011775, ClinGen allele CA3049271.